The following is an entry in ClinVar:

ClinVar aggregate classification (germline): Uncertain significance (1 of 4 stars; one submission).

Submission:

Labcorp Genetics (formerly Invitae), Labcorp
Classification: Uncertain significance. Last evaluated: 2024-09-03. Review status: criteria provided, single submitter. Criteria: Invitae Variant Classification Sherloc (09022015). Collection method: clinical testing. Allele origin: germline.
Comment: This sequence change replaces valine, which is neutral and non-polar, with methionine, which is neutral and non-polar, at codon 1506 of the COL4A2 protein (p.Val1506Met). Information on the frequency of this variant in the gnomAD database is not available, as this variant may be reported differently in the database. This variant has not been reported in the literature in individuals affected with COL4A2-related conditions. Experimental studies and prediction algorithms are not available or were not evaluated, and the functional significance of this variant is currently unknown. In summary, the available evidence is currently insufficient to determine the role of this variant in disease. Therefore, it has been classified as a Variant of Uncertain Significance.

NM_001846.4(COL4A2):c.4515_4516delinsGA (p.Val1506Met)

Genes: COL4A2 (collagen type IV alpha 2 chain; plus strand), COL4A2-AS1 (COL4A2 antisense RNA 1; minus strand). Cytogenetic location: 13q34.
Variant type: Indel.
Coding change: c.4515_4516delinsGA on transcript NM_001846.4 (MANE Select); coding-DNA positions 4515 to 4516, AG replaced by GA.
Protein change: p.Val1506Met; replaces valine 1506 with methionine.
Molecular consequence: missense variant.
Genome position (GRCh38, 1-based): chr13:110,506,527-110,506,528, AG replaced by GA. VCF-style: chr13-110506527-AG-GA. GRCh37 (hg19) VCF-style: chr13-111158874-AG-GA.
Other names: short protein forms V1506M.
Identifiers: ClinVar variation 3664367 (VCV003664367.2).
Genomic context (GRCh38, chr13:110,506,527, plus strand): 5'-CGTCAGCATCGGCTACCTCCTGGTGAAGCACAGCCAGACGGACCAGGAGCCCATGTGCCC[AG>GA]TGGGCATGAACAAACTCTGGAGTGGATACAGCCTGCTGTACTTCGAGGGCCAGGAGAAGG-3'
Protein context (NP_001837.2, residues 1496-1516): SQTDQEPMCP[Val1506Met]GMNKLWSGYS